The following is an entry in ClinVar:

ClinVar aggregate classification (germline): Pathogenic (1 of 4 stars; one submission).

Conditions:
Cone-rod dystrophy 2 (CORD2). Also called: Cone-rod retinal dystrophy 2; CONE-ROD RETINAL DYSTROPHY. Identifiers: Orphanet 1872, MedGen C3489532, MONDO:0007362, OMIM 120970.
Leber congenital amaurosis 7 (LCA7). Identifiers: Orphanet 65, MedGen C3151192, MONDO:0013449, OMIM 613829.

Submission:

Labcorp Genetics (formerly Invitae), Labcorp
Classification: Pathogenic for Cone-rod dystrophy 2; Leber congenital amaurosis 7. Last evaluated: 2022-09-14. Review status: criteria provided, single submitter. Criteria: Invitae Variant Classification Sherloc (09022015). Collection method: clinical testing. Allele origin: germline.
Comment: This variant is a gross deletion of the genomic region encompassing exon(s) 3-4 of the CRX gene, which includes the termination codon. This deletion extends beyond the assayed region for this gene and therefore may encompass additional genes. While this deletion is not anticipated to lead to nonsense mediated decay, it is expected to alter mRNA translation or result in a truncated protein product. A similar copy number variant has been observed in individuals with autosomal dominant retinal dystrophy (PMID: 27032803, 29847639, 31743059). It has also been observed to segregate with disease in related individuals. For these reasons, this variant has been classified as Pathogenic.

Literature cited by the submitters: PubMed 27032803; PubMed 29847639; PubMed 31743059.

NC_000019.9:g.(?_48339480)_(48343224_?)del

Gene: CRX (cone-rod homeobox; plus strand). Cytogenetic location: 19q13.33.
Variant type: Deletion.
Identifiers: ClinVar variation 2423325 (VCV002423325.3).